The following is an entry in ClinVar:

ClinVar aggregate classification (germline): Uncertain significance (1 of 4 stars; one submission).

Allele frequency attached by ClinVar (database versions not stated): gnomAD exomes 0.00001; TOPMed 0.00001; ExAC 0.00002; gnomAD 0.00003.
gnomAD v4.1: 23 of 1,613,696 alleles (0.0014%); highest among the groups gnomAD compares: African/African-American, 0.0027%; no homozygotes.

Submission:

Labcorp Genetics (formerly Invitae), Labcorp
Classification: Uncertain significance. Last evaluated: 2022-06-18. Review status: criteria provided, single submitter. Criteria: Invitae Variant Classification Sherloc (09022015). Collection method: clinical testing. Allele origin: germline.
Comment: In summary, the available evidence is currently insufficient to determine the role of this variant in disease. Therefore, it has been classified as a Variant of Uncertain Significance. Algorithms developed to predict the effect of missense changes on protein structure and function (SIFT, PolyPhen-2, Align-GVGD) all suggest that this variant is likely to be tolerated. This variant has not been reported in the literature in individuals affected with DOCK6-related conditions. This variant is present in population databases (rs779138084, gnomAD 0.004%). This sequence change replaces phenylalanine, which is neutral and non-polar, with leucine, which is neutral and non-polar, at codon 1311 of the DOCK6 protein (p.Phe1311Leu).

NM_020812.4(DOCK6):c.3933C>A (p.Phe1311Leu)

Genes: DOCK6 (dedicator of cytokinesis 6; minus strand), DOCK6-AS1 (DOCK6 antisense RNA 1; plus strand). Cytogenetic location: 19p13.2.
Variant type: single nucleotide variant.
Coding change: c.3933C>A on transcript NM_020812.4 (MANE Select); coding-DNA position 3933, C replaced by A.
Protein change: p.Phe1311Leu; replaces phenylalanine 1311 with leucine.
Molecular consequence: missense variant.
Genome position (GRCh38, 1-based): chr19:11,215,889, G>T on the plus strand (C>A on the coding strand, the complement: DOCK6 is on the minus strand). VCF-style: chr19-11215889-G-T. GRCh37 (hg19) VCF-style: chr19-11326565-G-T.
Other names: c.4038C>A, p.Phe1346Leu (NM_001367830.1); short protein forms F1311L, F1346L.
Identifiers: ClinVar variation 1984780 (VCV001984780.2), dbSNP rs779138084, ClinGen allele CA9207059.
Genomic context (GRCh38, chr19:11,215,889, plus strand): 5'-AGCTCCGATGGTACCCAGAATGGCTTCCTCTAGCCGCGCCTTCATATCCAGAGATTTTTT[G>T]AATGTGAGGCTGTTGATGCGTTCAAAGGCCTTTTTCCCCTGGGGGTGCAGAGAACTGGGG-3'
Protein context (NP_065863.2, residues 1301-1321): KAFERINSLT[Phe1311Leu]KKSLDMKARL